The following is an entry in ClinVar:

ClinVar aggregate classification (germline): Pathogenic/Likely pathogenic. Review status: criteria provided, multiple submitters, no conflicts (2 of 4 stars). 9 submissions from 9 submitters: Pathogenic (7); Likely pathogenic (2). Last evaluated 2026-04-01.

Conditions:
Hereditary hyperinsulinism.
Diabetes mellitus, transient neonatal, 2 (TNDM2). Identifiers: Orphanet 99886, MedGen C1835887, MONDO:0012480, OMIM 610374. Disease mechanism: loss of function.
Type 2 diabetes mellitus. Also called: Type II diabetes mellitus. Identifiers: MedGen C0011860, MeSH D003924, MONDO:0005148, OMIM 125853, HP:0005978.
Diabetes mellitus, permanent neonatal 3. Also called: ABCC8-Related Permanent Neonatal Diabetes Mellitus. Identifiers: MedGen C5394303, MONDO:0030088, OMIM 618857.
Hyperinsulinemic hypoglycemia, familial, 1 (HHF1). Also called: Persistent hyperinsulinemic hypoglycemia of infancy; HYPERINSULINISM, FAMILIAL, WITH PANCREATIC NESIDIOBLASTOSIS; HYPOGLYCEMIA, HYPERINSULINEMIC, OF INFANCY; NESIDIOBLASTOSIS OF PANCREAS; Persistent Hyperinsulinemia Hypoglycemia of Infancy. Identifiers: Orphanet 276575, Orphanet 276598, MedGen C2931832, MONDO:0009734, OMIM 256450.
Leucine-induced hypoglycemia (LIH). Also called: LEUCINE-SENSITIVE HYPOGLYCEMIA OF INFANCY. Identifiers: MedGen C0271714, MONDO:0009415, OMIM 240800.
Familial hyperinsulinism. Also called: Congenital hyperinsulinism. Identifiers: Orphanet 276525, MedGen C3888018, MONDO:0017182. Disease mechanism: loss of function.

Allele frequency attached by ClinVar (database versions not stated): ExAC 0.00002; gnomAD 0.00001; gnomAD exomes 0.00002 and 0.00003; TOPMed 0.00002.
gnomAD v4.1: 25 of 1,609,896 alleles (0.0016%); highest among the groups gnomAD compares: Non-Finnish European, 0.0021%; no homozygotes.

Submissions (9):

GeneDx
Classification: Likely pathogenic. Last evaluated: 2026-04-01. Review status: criteria provided, single submitter. Criteria: GeneDx Variant Classification Process June 2021. Collection method: clinical testing. Allele origin: germline.
Comment: Reported with and without a second ABCC8 variant in the published literature in association with congenital hyperinsulinsim (PMID: 33108363, 23275527, 24401662, 24750227, 23345197); however, detailed clinical and segregation information was not always provided; Canonical splice site variant predicted to result in an in-frame loss of the adjacent exon in a gene for which loss of function is a known mechanism of disease; This variant is associated with the following publications: (PMID: 25525159, 15562009, 36208030, 33108363, 23345197, 24401662, 24750227, 17236890, 23275527)

Natera, Inc.
Classification: Pathogenic for Hereditary hyperinsulinism. Last evaluated: 2025-10-09. Review status: criteria provided, single submitter. Criteria: Natera Variant Classification Schema (03/2026). Collection method: clinical testing. Allele origin: germline.
Comment: The c.1176+2T>C variant in ABCC8 is a canonical splice donor site variant predicted to affect pre-mRNA splicing, which may result in an abnormal transcript and altered protein product. This variant is expected to result in nonsense mediated decay, truncation, or a dysfunctional protein product. This variant is rare in the general population with a frequency below the threshold expected for the associated phenotype(s). This variant has been observed in one or more individuals affected with the associated recessive disease, as either homozygous or compound heterozygous with a second variant (PMID: 15562009). Given the available evidence, this variant is classified as Pathogenic.

Fulgent Genetics
Classification: Likely pathogenic for Type 2 diabetes mellitus; Leucine-induced hypoglycemia; Hyperinsulinemic hypoglycemia, familial, 1; Diabetes mellitus, transient neonatal, 2; Diabetes mellitus, permanent neonatal 3. Last evaluated: 2024-03-17. Review status: criteria provided, single submitter. Criteria: ACMG Guidelines, 2015. Collection method: clinical testing. Allele origin: germline.

Baylor Genetics
Classification: Pathogenic for Type 2 diabetes mellitus. Last evaluated: 2024-02-05. Review status: criteria provided, single submitter. Criteria: ACMG Guidelines, 2015. Collection method: clinical testing. Allele origin: unknown.

Broad Center for Mendelian Genomics, Broad Institute of MIT and Harvard
Classification: Pathogenic for Hyperinsulinemic hypoglycemia, familial, 1. Last evaluated: 2023-08-16. Review status: criteria provided, single submitter. Criteria: ACMG Guidelines, 2015. Collection method: curation. Allele origin: germline. Inheritance: Autosomal recessive inheritance.
Comment: The c.1176+2T>C variant in ABCC8 has been reported in 8 individuals with hyperinsulinemic hypoglycemia (PMID: 32851339, 17236890, 15562009, 23345197, 24401662, 23275527), and has been identified in 0.006% (7/113760) of European (non-Finnish) chromosomes by the Genome Aggregation Database (gnomAD; dbSNP ID: rs750586210). Although this variant has been seen in the general population in a heterozygous state, its frequency is low enough to be consistent with a recessive carrier frequency. This variant has also been reported in ClinVar (Variation ID: 633026) and has been interpreted as pathogenic by multiple labs. Of the 8 affected individuals, 4 were compound heterozygotes that carried reported pathogenic variants in trans or with unknown phase, 1 of those was a homozygote, and 1 was a compound heterozygote that carried a variant of uncertain significance in trans, which increases the likelihood that the c.1176+2T>C variant is pathogenic (Variation ID: 188836; PMID: 17236890, 15562009, 24401662, 23275527, 23345197). This variant is located in the 3' splice region. Computational tools do predict a splicing impact, though this information is not predictive enough to determine pathogenicity. This variant is adjacent to an in-frame exon and is more likely to escape nonsense mediated decay (NMD) and result in a truncated protein. In summary, this variant meets criteria to be classified as pathogenic for autosomal recessive hyperinsulinemic hypoglycemia. ACMG/AMP Criteria applied: PVS1_moderate, PM3_very-strong, PM2_supporting (Richards 2015).

Labcorp Genetics (formerly Invitae), Labcorp
Classification: Pathogenic. Last evaluated: 2023-07-19. Review status: criteria provided, single submitter. Criteria: Invitae Variant Classification Sherloc (09022015). Collection method: clinical testing. Allele origin: germline.
Comment: This sequence change affects a donor splice site in intron 7 of the ABCC8 gene. It is expected to disrupt RNA splicing. Variants that disrupt the donor or acceptor splice site typically lead to a loss of protein function (PMID: 16199547), and loss-of-function variants in ABCC8 are known to be pathogenic (PMID: 20685672, 23345197). This variant is present in population databases (rs750586210, gnomAD 0.006%). Disruption of this splice site has been observed in individuals with autosomal recessive congenital hyperinsulinism (PMID: 23345197, 26740944). This variant has been reported in individual(s) with autosomal dominant congenital hyperinsulinism (PMID: 17236890, 24401662); however, the role of the variant in this condition is currently unclear. ClinVar contains an entry for this variant (Variation ID: 633026). Algorithms developed to predict the effect of sequence changes on RNA splicing suggest that this variant may disrupt the consensus splice site. For these reasons, this variant has been classified as Pathogenic.

Centre of Medical Genetics, University Hospital Muenster
Classification: Pathogenic. Last evaluated: 2022-05-11. Review status: criteria provided, single submitter. Criteria: ACMG Guidelines, 2015. Collection method: clinical testing. Allele origin: unknown. Affected: yes. Observed: 1 variant allele, 1 heterozygote.
Comment: ACMG categories: PVS1,PS4,PP5

Revvity Omics, Revvity
Classification: Pathogenic. Last evaluated: 2019-01-18. Review status: criteria provided, single submitter. Criteria: ACMG Guidelines, 2015. Collection method: clinical testing. Allele origin: germline.

Women's Health and Genetics/Laboratory Corporation of America, LabCorp
Classification: Pathogenic for Familial hyperinsulinism. Last evaluated: 2018-04-05. Review status: criteria provided, single submitter. Criteria: LabCorp Variant Classification Summary - May 2015. Collection method: clinical testing. Allele origin: germline.
Comment: Variant summary: ABCC8 c.1176+2T>C is located in a canonical splice-site and is predicted to affect mRNA splicing resulting in a significantly altered protein due to either exon skipping, shortening, or inclusion of intronic material. Several computational tools predict a significant impact on normal splicing: Four predict the variant abolishes a 5 splicing donor site. However, these predictions have yet to be confirmed by functional studies. The variant was observed with an allele frequency of 2.8e-05 in 246240 gnomAD chromosomes. This frequency is not significantly higher than expected for a pathogenic variant in ABCC8 causing Congenital Hyperinsulinism (2.8e-05 vs 3.40E-03), allowing no conclusion about variant significance. The variant, c.1176+2T>C, has been reported in the literature in multiple individuals affected with Congenital Hyperinsulinism, including homozygotes (Kapoor_2013, Snider_2013, Henquin_2011, Mohnike_2014). These data indicate that the variant is very likely to be associated with disease. To our knowledge, no experimental evidence demonstrating an impact on protein function has been reported. No clinical diagnostic laboratories have submitted clinical-significance assessments for this variant to ClinVar after 2014. Based on the evidence outlined above, the variant was classified as pathogenic.

Literature cited by the submitters: PubMed 15562009 (cited by Natera, Inc. and Women's Health and Genetics/Laboratory Corporation of America, LabCorp); PubMed 16199547 (cited by Labcorp Genetics (formerly Invitae), Labcorp); PubMed 20685672 (cited by Labcorp Genetics (formerly Invitae), Labcorp); PubMed 23345197 (cited by Labcorp Genetics (formerly Invitae), Labcorp and Women's Health and Genetics/Laboratory Corporation of America, LabCorp); PubMed 26740944 (cited by Labcorp Genetics (formerly Invitae), Labcorp); PubMed 17236890 (cited by Labcorp Genetics (formerly Invitae), Labcorp); PubMed 24401662 (cited by Labcorp Genetics (formerly Invitae), Labcorp and Women's Health and Genetics/Laboratory Corporation of America, LabCorp); PubMed 23275527 (cited by Women's Health and Genetics/Laboratory Corporation of America, LabCorp).

NM_000352.6(ABCC8):c.1176+2T>C

Gene: ABCC8 (ATP binding cassette subfamily C member 8; minus strand). Cytogenetic location: 11p15.1.
Variant type: single nucleotide variant.
Coding change: c.1176+2T>C on transcript NM_000352.6 (MANE Select); the canonical splice donor site of the intron after coding-DNA position 1176, T replaced by C.
Molecular consequence: splice donor variant.
Genome position (GRCh38, 1-based): chr11:17,453,117, A>G on the plus strand (T>C on the coding strand, the complement: ABCC8 is on the minus strand). VCF-style: chr11-17453117-A-G. GRCh37 (hg19) VCF-style: chr11-17474664-A-G.
Other names: c.1173+2T>C (NM_001351297.2, NM_001351296.2); c.1176+2T>C (NM_001351295.2, NM_001287174.3).
Identifiers: ClinVar variation 633026 (VCV000633026.25), dbSNP rs750586210, ClinGen allele CA5903665.